The following is an entry in ClinVar:

NM_031471.6(FERMT3):c.156G>T (p.Gln52His)

Gene: FERMT3 (FERM domain containing kindlin 3; plus strand). Cytogenetic location: 11q13.1.
Variant type: single nucleotide variant.
Coding change: c.156G>T on transcript NM_031471.6 (MANE Select); coding-DNA position 156, G replaced by T.
Protein change: p.Gln52His; replaces glutamine 52 with histidine.
Molecular consequence: missense variant.
Genome position (GRCh38, 1-based): chr11:64,207,520, G>T. VCF-style: chr11-64207520-G-T. GRCh37 (hg19) VCF-style: chr11-63974992-G-T.
Other names: p.Gln52His; c.156G>T, p.Gln52His (NM_001382361.1, NM_001382362.1, NM_001382448.1 and 1 more transcripts); short protein forms Q52H.
Identifiers: ClinVar variation 4541625 (VCV004541625.1).

ClinVar aggregate classification (germline): Uncertain significance (1 of 4 stars; one submission).

Submission:

Mayo Clinic Laboratories, Mayo Clinic
Classification: Uncertain significance. Last evaluated: 2025-11-28. Review status: criteria provided, single submitter. Criteria: ACMG Guidelines, 2015. Collection method: clinical testing. Allele origin: germline. Observed: 1 variant allele.
Comment: BP4_moderate, PM2_supporting